The following is an entry in ClinVar:

NM_058216.3(RAD51C):c.414G>A (p.Leu138=)

Gene: RAD51C (RAD51 paralog C; plus strand). Cytogenetic location: 17q22.
Variant type: single nucleotide variant.
Coding change: c.414G>A on transcript NM_058216.3 (MANE Select); coding-DNA position 414, G replaced by A.
Protein change: p.Leu138=; no amino-acid change (leucine 138 retained).
Molecular consequence: synonymous variant.
Genome position (GRCh38, 1-based): chr17:58,696,702, G>A. VCF-style: chr17-58696702-G-A. GRCh37 (hg19) VCF-style: chr17-56774063-G-A.
Identifiers: ClinVar variation 3228954 (VCV003228954.2), dbSNP rs267606999, ClinGen allele CA501074856.
Genomic context (GRCh38, chr17:58,696,702, plus strand): 5'-TACCTTAGATCATCATCATGATTTGGTTGTTTGTCATCTTTCTGTTGACAGTATGCAGTT[G>A]GCAGTAGATGTGCAGATACCAGAATGTTTTGGAGGAGTGGCAGGTGAAGCAGTTTTTATT-3'
Protein context (NP_478123.1, residues 128-148): GVGKTQLCMQ[Leu138=]AVDVQIPECF

ClinVar aggregate classification (germline): Benign/Likely benign. Review status: criteria provided, multiple submitters, no conflicts (2 of 4 stars). 2 submissions from 2 submitters: Benign (1); Likely benign (1). Last evaluated 2025-02-18.

Conditions:
Breast-ovarian cancer, familial, susceptibility to, 3. Also called: RAD51C-Related Breast/Ovarian Cancer. Identifiers: Orphanet 145, MedGen C3150659, MONDO:0013253, OMIM 613399.
Hereditary cancer-predisposing syndrome. Also called: Neoplastic Syndromes, Hereditary; Tumor predisposition; Hereditary neoplastic syndrome; Hereditary Cancer Syndrome. Identifiers: Orphanet 140162, MedGen C0027672, MeSH D009386, MONDO:0015356.

Submissions (2):

Myriad Genetics, Inc.
Classification: Benign for Breast-ovarian cancer, familial, susceptibility to, 3. Last evaluated: 2025-02-18. Review status: criteria provided, single submitter. Criteria: Myriad Autosomal Dominant, Autosomal Recessive and X-Linked Classification Criteria (2023). Collection method: clinical testing. Allele origin: unknown.
Comment: This variant is considered benign. This variant is a silent/synonymous amino acid change and it is not expected to impact splicing.

Ambry Genetics
Classification: Likely benign for Hereditary cancer-predisposing syndrome. Last evaluated: 2024-01-22. Review status: criteria provided, single submitter. Criteria: Ambry Variant Classification Scheme 2023. Collection method: clinical testing. Allele origin: germline.